The following is an entry in ClinVar:

ClinVar aggregate classification (germline): Uncertain significance (1 of 4 stars; one submission).

gnomAD v4.1: 1 of 1,613,718 alleles (0.000062%); highest among the groups gnomAD compares: Non-Finnish European, 0.000085%; no homozygotes.

Submission:

Labcorp Genetics (formerly Invitae), Labcorp
Classification: Uncertain significance. Last evaluated: 2025-04-28. Review status: criteria provided, single submitter. Criteria: Invitae Variant Classification Sherloc (09022015). Collection method: clinical testing. Allele origin: germline.
Comment: This sequence change replaces serine, which is neutral and polar, with glycine, which is neutral and non-polar, at codon 213 of the RP1L1 protein (p.Ser213Gly). This variant is not present in population databases (gnomAD no frequency). This variant has not been reported in the literature in individuals affected with RP1L1-related conditions. ClinVar contains an entry for this variant (Variation ID: 1958395). Invitae Evidence Modeling of protein sequence and biophysical properties (such as structural, functional, and spatial information, amino acid conservation, physicochemical variation, residue mobility, and thermodynamic stability) indicates that this missense variant is not expected to disrupt RP1L1 protein function with a negative predictive value of 80%. In summary, the available evidence is currently insufficient to determine the role of this variant in disease. Therefore, it has been classified as a Variant of Uncertain Significance.

NM_178857.6(RP1L1):c.637A>G (p.Ser213Gly)

Gene: RP1L1 (RP1 like 1). Cytogenetic location: 8p23.1.
Variant type: single nucleotide variant.
Coding change: c.637A>G on transcript NM_178857.6 (MANE Select); coding-DNA position 637, A replaced by G.
Protein change: p.Ser213Gly; replaces serine 213 with glycine.
Molecular consequence: missense variant.
Genome position (GRCh38, 1-based): chr8:10,616,560, T>C on the plus strand (A>G on the coding strand, the complement: RP1L1 is on the minus strand). VCF-style: chr8-10616560-T-C. GRCh37 (hg19) VCF-style: chr8-10474070-T-C.
Other names: short protein forms S213G.
Identifiers: ClinVar variation 1958395 (VCV001958395.5), dbSNP rs1797969253, ClinGen allele CA370299249.
Genomic context (GRCh38, chr8:10,616,560, plus strand): 5'-CATTTTTCATGGCTGGGGTTCTGAAGGCCTCATGCCCGGCACACACCAGCACAGAGGGGC[T>C]GTGCAGCAGGGCCTGCAGCGAGTCCACCTGAGGGAGGAGCGGGCGGGGTCAGGAGGCCTG-3'
Protein context (NP_849188.4, residues 203-223): KVDSLQALLH[Ser213Gly]PSVLVCAGHE